The following is an entry in ClinVar:

NM_001252102.2(KIF21B):c.4110C>T (p.Tyr1370=)

Gene: KIF21B (kinesin family member 21B; minus strand). Cytogenetic location: 1q32.1.
Variant type: single nucleotide variant.
Coding change: c.4110C>T on transcript NM_001252102.2 (MANE Select); coding-DNA position 4110, C replaced by T.
Protein change: p.Tyr1370=; no amino-acid change (tyrosine 1370 retained).
Molecular consequence: synonymous variant.
Genome position (GRCh38, 1-based): chr1:200,979,585, G>A on the plus strand (C>T on the coding strand, the complement: KIF21B is on the minus strand). VCF-style: chr1-200979585-G-A. GRCh37 (hg19) VCF-style: chr1-200948713-G-A.
Other names: c.4110C>T, p.Tyr1370= (NM_001252100.2); c.4071C>T, p.Tyr1357= (NM_001252103.2, NM_017596.4).
Identifiers: ClinVar variation 680351 (VCV000680351.1), dbSNP rs1571912705, ClinGen allele CA422707881.

ClinVar aggregate classification (germline): Likely benign (1 of 4 stars; one submission).

Submission:

GeneDx
Classification: Likely benign. Last evaluated: 2018-03-28. Review status: criteria provided, single submitter. Criteria: GeneDx Variant Classification (06012015). Collection method: clinical testing. Allele origin: germline. Affected: yes.
Comment: This variant is considered likely benign or benign based on one or more of the following criteria: it is a conservative change, it occurs at a poorly conserved position in the protein, it is predicted to be benign by multiple in silico algorithms, and/or has population frequency not consistent with disease.